The following is an entry in ClinVar:

NM_006361.6(HOXB13):c.749C>A (p.Ser250Ter)

Gene: HOXB13 (homeobox B13; minus strand). Cytogenetic location: 17q21.32.
Variant type: single nucleotide variant.
Coding change: c.749C>A on transcript NM_006361.6 (MANE Select); coding-DNA position 749, C replaced by A.
Protein change: p.Ser250Ter; replaces serine 250 with a stop codon.
Molecular consequence: nonsense.
Genome position (GRCh38, 1-based): chr17:48,726,896, G>T on the plus strand (C>A on the coding strand, the complement: HOXB13 is on the minus strand). VCF-style: chr17-48726896-G-T. GRCh37 (hg19) VCF-style: chr17-46804258-G-T.
Other names: short protein forms S250*.
Identifiers: ClinVar variation 4712804 (VCV004712804.1).

ClinVar aggregate classification (germline): Uncertain significance (1 of 4 stars; one submission).

Submission:

Labcorp Genetics (formerly Invitae), Labcorp
Classification: Uncertain significance. Last evaluated: 2025-02-16. Review status: criteria provided, single submitter. Criteria: Invitae Variant Classification Sherloc (09022015). Collection method: clinical testing. Allele origin: germline.
Comment: This sequence change creates a premature translational stop signal (p.Ser250*) in the HOXB13 gene. While this is not anticipated to result in nonsense mediated decay, it is expected to disrupt the last 35 amino acid(s) of the HOXB13 protein. This variant is not present in population databases (gnomAD no frequency). This variant has not been reported in the literature in individuals affected with HOXB13-related conditions. Experimental studies and prediction algorithms are not available or were not evaluated, and the functional significance of this variant is currently unknown. In summary, the available evidence is currently insufficient to determine the role of this variant in disease. Therefore, it has been classified as a Variant of Uncertain Significance.